The following is an entry in ClinVar:

NM_001903.5(CTNNA1):c.1935A>G (p.Thr645=)

Gene: CTNNA1 (catenin alpha 1; plus strand). Cytogenetic location: 5q31.2.
Variant type: single nucleotide variant.
Coding change: c.1935A>G on transcript NM_001903.5 (MANE Select); coding-DNA position 1935, A replaced by G.
Protein change: p.Thr645=; no amino-acid change (threonine 645 retained).
Molecular consequence: synonymous variant.
Genome position (GRCh38, 1-based): chr5:138,929,281, A>G. VCF-style: chr5-138929281-A-G. GRCh37 (hg19) VCF-style: chr5-138264970-A-G.
Other names: c.1935A>G, p.Thr645= (NM_001290307.3, NM_001323982.2, NM_001323983.1 and 2 more transcripts); c.1626A>G, p.Thr542= (NM_001290309.3); c.1566A>G, p.Thr522= (NM_001290310.3); c.825A>G, p.Thr275= (NM_001290312.1, NM_001323987.1, NM_001323988.1 and 17 more transcripts); c.1842A>G, p.Thr614= (NM_001323986.2); c.486A>G, p.Thr162= (NM_001324006.1, NM_001324007.1, NM_001324008.1 and 2 more transcripts); c.732A>G, p.Thr244= (NM_001324011.1); c.582A>G, p.Thr194= (NM_001324012.1, NM_001324013.1); and 1 more.
Identifiers: ClinVar variation 719330 (VCV000719330.15), dbSNP rs1295685407, ClinGen allele CA446597672.

ClinVar aggregate classification (germline): Benign/Likely benign. Review status: criteria provided, multiple submitters, no conflicts (2 of 4 stars). 4 submissions from 4 submitters: Benign (1); Likely benign (3). Last evaluated 2026-07-01.

Conditions:
Hereditary cancer-predisposing syndrome. Also called: Neoplastic Syndromes, Hereditary; Tumor predisposition; Hereditary Cancer Syndrome; Hereditary neoplastic syndrome. Identifiers: Orphanet 140162, MedGen C0027672, MeSH D009386, MONDO:0015356.
CTNNA1-related disorder. Also called: CTNNA1-related condition.
Hereditary diffuse gastric adenocarcinoma (HDGC). Also called: DIFFUSE GASTRIC AND LOBULAR BREAST CANCER SYNDROME. Identifiers: Orphanet 26106, MedGen C1708349, MONDO:0007648, OMIM 137215.

Allele frequency attached by ClinVar (database versions not stated): gnomAD exomes below 0.00001.
gnomAD v4.1: 7 of 1,610,700 alleles (0.00043%); highest among the groups gnomAD compares: Admixed American, 0.01%; 1 homozygote.

Submissions (4):

PreventionGenetics, part of Exact Sciences
Classification: Likely benign for CTNNA1-related condition. Last evaluated: 2026-07-01. Review status: criteria provided, single submitter. Criteria: ACMG Guidelines, 2015. Collection method: clinical testing. Allele origin: germline.
Comment: This variant is classified as likely benign based on ACMG/AMP sequence variant interpretation guidelines (Richards et al. 2015 PMID: 25741868, with internal and published modifications).

Labcorp Genetics (formerly Invitae), Labcorp
Classification: Likely benign. Last evaluated: 2025-12-31. Review status: criteria provided, single submitter. Criteria: Invitae Variant Classification Sherloc (09022015). Collection method: clinical testing. Allele origin: germline.

Myriad Genetics, Inc.
Classification: Benign for Hereditary diffuse gastric adenocarcinoma. Last evaluated: 2024-10-14. Review status: criteria provided, single submitter. Criteria: Myriad Autosomal Dominant, Autosomal Recessive and X-Linked Classification Criteria (2023). Collection method: clinical testing. Allele origin: unknown.
Comment: This variant is considered benign. This variant is a silent/synonymous amino acid change and it is not expected to impact splicing.

Ambry Genetics
Classification: Likely benign for Hereditary cancer-predisposing syndrome. Last evaluated: 2020-07-06. Review status: criteria provided, single submitter. Criteria: Ambry Variant Classification Scheme 2023. Collection method: clinical testing. Allele origin: germline.